The following is an entry in ClinVar:

NM_004839.4(HOMER2):c.338C>A (p.Ala113Asp)

Gene: HOMER2 (homer scaffold protein 2; minus strand). Cytogenetic location: 15q25.2.
Variant type: single nucleotide variant.
Coding change: c.338C>A on transcript NM_004839.4 (MANE Select); coding-DNA position 338, C replaced by A.
Protein change: p.Ala113Asp; replaces alanine 113 with aspartic acid.
Molecular consequence: missense variant.
Genome position (GRCh38, 1-based): chr15:82,864,216, G>T on the plus strand (C>A on the coding strand, the complement: HOMER2 is on the minus strand). VCF-style: chr15-82864216-G-T. GRCh37 (hg19) VCF-style: chr15-83532968-G-T.
Other names: c.338C>A, p.Ala113Asp (NM_199330.3); short protein forms A113D.
Identifiers: ClinVar variation 4746985 (VCV004746985.1).
Genomic context (GRCh38, chr15:82,864,216, plus strand): 5'-TAATGTCTTACTTGGGAATGATTACTTGAGGTCTCGATTTTCTCCTGCGTCTTGTCTTTG[G>T]CTATCTTGGCAGCTTCTTTCACCTCCTGGAATTTCTCTGCAAACTGAACATGAAGAATAG-3'
Protein context (NP_004830.2, residues 103-123): FQEVKEAAKI[Ala113Asp]KDKTQEKIET

ClinVar aggregate classification (germline): Uncertain significance (1 of 4 stars; one submission).

Submission:

Labcorp Genetics (formerly Invitae), Labcorp
Classification: Uncertain significance. Last evaluated: 2025-12-17. Review status: criteria provided, single submitter. Criteria: Invitae Variant Classification Sherloc (09022015). Collection method: clinical testing. Allele origin: germline.
Comment: This sequence change replaces alanine, which is neutral and non-polar, with aspartic acid, which is acidic and polar, at codon 113 of the HOMER2 protein (p.Ala113Asp). This variant is not present in population databases (gnomAD no frequency). This variant has not been reported in the literature in individuals affected with HOMER2-related conditions. An algorithm developed to predict the effect of missense changes on protein structure and function (PolyPhen-2) suggests that this variant is likely to be tolerated. In summary, the available evidence is currently insufficient to determine the role of this variant in disease. Therefore, it has been classified as a Variant of Uncertain Significance.